The following is an entry in ClinVar:

NM_000136.3(FANCC):c.175A>G (p.Thr59Ala)

Gene: FANCC (FA complementation group C; minus strand). Cytogenetic location: 9q22.32.
Variant type: single nucleotide variant.
Coding change: c.175A>G on transcript NM_000136.3 (MANE Select); coding-DNA position 175, A replaced by G.
Protein change: p.Thr59Ala; replaces threonine 59 with alanine.
Molecular consequence: missense variant.
Genome position (GRCh38, 1-based): chr9:95,247,507, T>C on the plus strand (A>G on the coding strand, the complement: FANCC is on the minus strand). VCF-style: chr9-95247507-T-C. GRCh37 (hg19) VCF-style: chr9-98009789-T-C.
Other names: c.175A>G, p.Thr59Ala (NM_001243743.2, NM_001243744.2); short protein forms T59A.
Identifiers: ClinVar variation 3230372 (VCV003230372.1), dbSNP rs2542844240, ClinGen allele CA374340149.

ClinVar aggregate classification (germline): Uncertain significance (1 of 4 stars; one submission).

Conditions:
Hereditary cancer-predisposing syndrome. Also called: Neoplastic Syndromes, Hereditary; Tumor predisposition; Hereditary neoplastic syndrome; Hereditary Cancer Syndrome. Identifiers: Orphanet 140162, MedGen C0027672, MeSH D009386, MONDO:0015356.

Submission:

Ambry Genetics
Classification: Uncertain significance for Hereditary cancer-predisposing syndrome. Last evaluated: 2023-09-23. Review status: criteria provided, single submitter. Criteria: Ambry Variant Classification Scheme 2023. Collection method: clinical testing. Allele origin: germline.
Comment: The p.T59A variant (also known as c.175A>G), located in coding exon 2 of the FANCC gene, results from an A to G substitution at nucleotide position 175. The threonine at codon 59 is replaced by alanine, an amino acid with similar properties. This amino acid position is conserved. In addition, this alteration is predicted to be tolerated by in silico analysis. Since supporting evidence is limited at this time, the clinical significance of this alteration remains unclear.